The following is an entry in ClinVar:

NM_182961.4(SYNE1):c.2530G>A (p.Glu844Lys)

Gene: SYNE1 (spectrin repeat containing nuclear envelope protein 1; minus strand). Cytogenetic location: 6q25.2.
Variant type: single nucleotide variant.
Coding change: c.2530G>A on transcript NM_182961.4 (MANE Select); coding-DNA position 2530, G replaced by A.
Protein change: p.Glu844Lys; replaces glutamic acid 844 with lysine.
Molecular consequence: missense variant.
Genome position (GRCh38, 1-based): chr6:152,458,795, C>T on the plus strand (G>A on the coding strand, the complement: SYNE1 is on the minus strand). VCF-style: chr6-152458795-C-T. GRCh37 (hg19) VCF-style: chr6-152779930-C-T.
Other names: c.2551G>A, p.Glu851Lys (NM_033071.5); short protein forms E851K, E844K.
Identifiers: ClinVar variation 1467764 (VCV001467764.8), dbSNP rs770166877, ClinGen allele CA4059119.

ClinVar aggregate classification (germline): Uncertain significance (1 of 4 stars; one submission).

Conditions:
Autosomal recessive ataxia, Beauce type. Also called: SYNE1-Related Autosomal Recessive Cerebellar Ataxia; Spinocerebellar ataxia, autosomal recessive 8; ATAXIA, RECESSIVE, OF BEAUCE; SYNE1 Deficiency. Identifiers: Orphanet 88644, MedGen C1853116, MONDO:0012549, OMIM 610743.
Emery-Dreifuss muscular dystrophy 4, autosomal dominant (EDMD4). Also called: EMERY-DREIFUSS MUSCULAR DYSTROPHY 4 WITH VARIABLE FEATURES. Identifiers: Orphanet 261, MedGen C2751807, MONDO:0013071, OMIM 612998.

Allele frequency attached by ClinVar (database versions not stated): gnomAD exomes below 0.00001 and 0.00002; TOPMed below 0.00001; ExAC 0.00001.
gnomAD v4.1: 2 of 1,614,068 alleles (0.00012%); highest among the groups gnomAD compares: South Asian, 0.0011%; no homozygotes.

Submission:

Labcorp Genetics (formerly Invitae), Labcorp
Classification: Uncertain significance for Emery-Dreifuss muscular dystrophy 4, autosomal dominant; Autosomal recessive ataxia, Beauce type. Last evaluated: 2020-12-01. Review status: criteria provided, single submitter. Criteria: Invitae Variant Classification Sherloc (09022015). Collection method: clinical testing. Allele origin: germline.
Comment: This sequence change replaces glutamic acid with lysine at codon 851 of the SYNE1 protein (p.Glu851Lys). The glutamic acid residue is highly conserved and there is a small physicochemical difference between glutamic acid and lysine. This variant is present in population databases (rs770166877, ExAC 0.001%). In summary, the available evidence is currently insufficient to determine the role of this variant in disease. Therefore, it has been classified as a Variant of Uncertain Significance. Algorithms developed to predict the effect of missense changes on protein structure and function are either unavailable or do not agree on the potential impact of this missense change (SIFT: "Deleterious"; PolyPhen-2: "Possibly Damaging"; Align-GVGD: "Class C0"). This variant has not been reported in the literature in individuals with SYNE1-related conditions.